The following is an entry in ClinVar:

NM_005909.5(MAP1B):c.2350G>A (p.Val784Ile)

Gene: MAP1B (microtubule associated protein 1B; plus strand). Cytogenetic location: 5q13.2.
Variant type: single nucleotide variant.
Coding change: c.2350G>A on transcript NM_005909.5 (MANE Select); coding-DNA position 2350, G replaced by A.
Protein change: p.Val784Ile; replaces valine 784 with isoleucine.
Molecular consequence: missense variant.
Genome position (GRCh38, 1-based): chr5:72,195,705, G>A. VCF-style: chr5-72195705-G-A. GRCh37 (hg19) VCF-style: chr5-71491532-G-A.
Other names: c.1972G>A, p.Val658Ile (NM_001324255.2); short protein forms V658I, V784I.
Identifiers: ClinVar variation 4996209 (VCV004996209.1).

ClinVar aggregate classification (germline): Uncertain significance (1 of 4 stars; one submission).

Conditions:
MAP1B-related disorder. Also called: MAP1B-related condition.

Submission:

PreventionGenetics, part of Exact Sciences
Classification: Uncertain significance for MAP1B-related condition. Last evaluated: 2026-02-12. Review status: criteria provided, single submitter. Criteria: ACMG Guidelines, 2015. Collection method: clinical testing. Allele origin: germline.
Comment: The MAP1B c.2350G>A variant is predicted to result in the amino acid substitution p.Val784Ile. To our knowledge, this variant has not been reported in the literature or in a large population database (gnomAD), indicating this variant is rare. At this time, the clinical significance of this variant is uncertain due to the absence of conclusive functional and genetic evidence.